The following is an entry in ClinVar:

NM_000049.4(ASPA):c.635-2A>G

Genes: ASPA (aspartoacylase; plus strand), SPATA22 (spermatogenesis associated 22; minus strand). Cytogenetic location: 17p13.2.
Variant type: single nucleotide variant.
Coding change: c.635-2A>G on transcript NM_000049.4 (MANE Select); the canonical splice acceptor site of the intron before coding-DNA position 635, A replaced by G.
Molecular consequence: splice acceptor variant. On other transcripts: intron variant (2).
Genome position (GRCh38, 1-based): chr17:3,494,348, A>G. VCF-style: chr17-3494348-A-G. GRCh37 (hg19) VCF-style: chr17-3397642-A-G.
Other names: c.-74+19064T>C (NM_001321336.2, NM_001321337.2); c.635-2A>G (NM_001128085.1, NM_000049.2).
Identifiers: ClinVar variation 2678866 (VCV002678866.1), dbSNP rs2543647904, ClinGen allele CA397685769.
Genomic context (GRCh38, chr17:3,494,348, plus strand): 5'-GCCACCACACCCGGCCCAGAGATGTTTTTAGTTGCCATTGATACATATTGTTTTTGTCAT[A>G]GGAAAAGAATTTCCTCCCTGCGCCATTGAGGTCTATAAAATTATAGAGAAAGTTGATTAC-3'

ClinVar aggregate classification (germline): Likely pathogenic. Review status: criteria provided, multiple submitters, no conflicts (2 of 4 stars). 2 submissions from 2 submitters: Likely pathogenic (2). Last evaluated 2025-08-28.

Conditions:
Spongy degeneration of central nervous system. Also called: ACY2 DEFICIENCY; AMINOACYLASE 2 DEFICIENCY; ASP DEFICIENCY; ASPA DEFICIENCY; ASPARTOACYLASE DEFICIENCY; CANAVAN-VAN BOGAERT-BERTRAND DISEASE. Identifiers: Orphanet 141, MedGen C0206307, MONDO:0010079, OMIM 271900.

Submissions (2):

Natera, Inc.
Classification: Likely pathogenic for Canavan Disease. Last evaluated: 2025-08-28. Review status: criteria provided, single submitter. Criteria: Natera Variant Classification Schema (03/2026). Collection method: clinical testing. Allele origin: germline.
Comment: The c.635-2A>G variant in ASPA is a canonical splice acceptor site variant predicted to affect pre-mRNA splicing, which may result in an abnormal transcript and altered protein product. This variant is expected to result in nonsense mediated decay, truncation, or a dysfunctional protein product. This variant is rare in the general population with a frequency below the threshold expected for the associated phenotype(s). Given the available evidence, this variant is classified as Likely Pathogenic.

Baylor Genetics
Classification: Likely pathogenic for Spongy degeneration of central nervous system. Last evaluated: 2023-08-17. Review status: criteria provided, single submitter. Criteria: ACMG Guidelines, 2015. Collection method: clinical testing. Allele origin: unknown.